The following is an entry in ClinVar:

NM_177965.4(CFAP418):c.349_353del (p.Gly117fs)

Gene: CFAP418 (cilia and flagella associated protein 418; minus strand). Cytogenetic location: 8q22.1.
Variant type: Deletion.
Coding change: c.349_353del on transcript NM_177965.4 (MANE Select); coding-DNA positions 349 to 353, 5 bases deleted (GGGAT; older notation c.349_353delGGGAT).
Protein change: p.Gly117fs; shifts the reading frame from glycine 117.
Molecular consequence: frameshift variant.
Genome position (GRCh38, 1-based): chr8:95,259,861-95,259,865, ATCCC deleted on the plus strand (GGGAT on the coding strand, the reverse complement: CFAP418 is on the minus strand); deleting any 5 consecutive bases within chr8:95,259,861-95,259,866 gives the same sequence; the c. name uses the placement nearest the transcript's 3' end. VCF-style (leftmost placement, unchanged base first): chr8-95259860-AATCCC-A. GRCh37 (hg19) VCF-style: chr8-96272088-AATCCC-A.
Other names: c.349_353del5 (NM_177965.3); c.349_353del, p.Gly117fs (NM_001363260.1); short protein forms G117fs.
Identifiers: ClinVar variation 1681127 (VCV001681127.7), dbSNP rs757206516, ClinGen allele CA4815176.
Genomic context (GRCh38, chr8:95,259,860, plus strand): 5'-AAACCTAGTAAGAAAGTATAATACATTTCTGACAACCTACCTCCATGAAATATTTGTTCC[AATCCC>A]ACATGGAATAGAGCTTCCACCAAGGTACACCGGACTGCAACTAGATGTGTTCAACAGATG-3'

ClinVar aggregate classification (germline): Pathogenic/Likely pathogenic. Review status: criteria provided, multiple submitters, no conflicts (2 of 4 stars). 2 submissions from 2 submitters: Pathogenic (1); Likely pathogenic (1). Last evaluated 2026-07-23.

Conditions:
CFAP418-related disorder. Also called: CFAP418-related condition.

Submissions (2):

PreventionGenetics, part of Exact Sciences
Classification: Likely pathogenic for CFAP418-related condition. Last evaluated: 2026-07-23. Review status: criteria provided, single submitter. Criteria: ACMG Guidelines, 2015. Collection method: clinical testing. Allele origin: germline.
Comment: The CFAP418 c.349_353del5 variant is predicted to result in a frameshift and premature protein termination (p.Gly117Trpfs*10). To our knowledge this variant has not been reported in the literature in individuals with CFAP418-related conditions. This variant is reported in 0.0060% of alleles in individuals of Latino descent in gnomAD. Frameshift variants in CFAP418 are expected to be pathogenic. This variant is interpreted as likely pathogenic.

Labcorp Genetics (formerly Invitae), Labcorp
Classification: Pathogenic. Last evaluated: 2021-10-23. Review status: criteria provided, single submitter. Criteria: Invitae Variant Classification Sherloc (09022015). Collection method: clinical testing. Allele origin: germline.
Comment: For these reasons, this variant has been classified as Pathogenic. This premature translational stop signal has been observed in individual(s) with clinical features of retinal dystrophy (Invitae). The frequency data for this variant in the population databases is considered unreliable, as metrics indicate poor data quality at this position in the ExAC database. This sequence change creates a premature translational stop signal (p.Gly117Trpfs*10) in the C8orf37 gene. It is expected to result in an absent or disrupted protein product. Loss-of-function variants in C8orf37 are known to be pathogenic (PMID: 22177090, 25802487, 26865426).

Literature cited by the submitters: PubMed 22177090 (cited by Labcorp Genetics (formerly Invitae), Labcorp); PubMed 25802487 (cited by Labcorp Genetics (formerly Invitae), Labcorp); PubMed 26865426 (cited by Labcorp Genetics (formerly Invitae), Labcorp).